The following is an entry in ClinVar:

NM_020987.5(ANK3):c.1958A>G (p.Tyr653Cys)

Gene: ANK3 (ankyrin 3; minus strand). Cytogenetic location: 10q21.2.
Variant type: single nucleotide variant.
Coding change: c.1958A>G on transcript NM_020987.5 (MANE Select); coding-DNA position 1958, A replaced by G.
Protein change: p.Tyr653Cys; replaces tyrosine 653 with cysteine.
Molecular consequence: missense variant.
Genome position (GRCh38, 1-based): chr10:60,186,842, T>C on the plus strand (A>G on the coding strand, the complement: ANK3 is on the minus strand). VCF-style: chr10-60186842-T-C. GRCh37 (hg19) VCF-style: chr10-61946600-T-C.
Other names: c.1940A>G, p.Tyr647Cys (NM_001204403.2); c.1907A>G, p.Tyr636Cys (NM_001204404.2); c.1958A>G, p.Tyr653Cys (NM_001320874.2); short protein forms Y636C, Y647C, Y653C.
Identifiers: ClinVar variation 3611746 (VCV003611746.2).

ClinVar aggregate classification (germline): Uncertain significance (1 of 4 stars; one submission).

gnomAD v4.1: 2 of 1,614,180 alleles (0.00012%); highest among the groups gnomAD compares: Admixed American, 0.0033%; no homozygotes.

Submission:

Labcorp Genetics (formerly Invitae), Labcorp
Classification: Uncertain significance. Last evaluated: 2025-02-11. Review status: criteria provided, single submitter. Criteria: Invitae Variant Classification Sherloc (09022015). Collection method: clinical testing. Allele origin: germline.
Comment: This sequence change replaces tyrosine, which is neutral and polar, with cysteine, which is neutral and slightly polar, at codon 653 of the ANK3 protein (p.Tyr653Cys). This variant is present in population databases (no rsID available, gnomAD 0.003%). This variant has not been reported in the literature in individuals affected with ANK3-related conditions. Invitae Evidence Modeling of protein sequence and biophysical properties (such as structural, functional, and spatial information, amino acid conservation, physicochemical variation, residue mobility, and thermodynamic stability) indicates that this missense variant is not expected to disrupt ANK3 protein function with a negative predictive value of 80%. In summary, the available evidence is currently insufficient to determine the role of this variant in disease. Therefore, it has been classified as a Variant of Uncertain Significance.